The following is an entry in ClinVar:

NM_000535.7(PMS2):c.4G>C (p.Glu2Gln)

Gene: PMS2 (PMS1 homolog 2, mismatch repair system component; minus strand). Cytogenetic location: 7p22.1.
Variant type: single nucleotide variant.
Coding change: c.4G>C on transcript NM_000535.7 (MANE Select); coding-DNA position 4, G replaced by C.
Protein change: p.Glu2Gln; replaces glutamic acid 2 with glutamine.
Molecular consequence: missense variant. On other transcripts: 5 prime UTR variant (11), non-coding transcript variant (1).
Genome position (GRCh38, 1-based): chr7:6,009,016, C>G on the plus strand (G>C on the coding strand, the complement: PMS2 is on the minus strand). VCF-style: chr7-6009016-C-G. GRCh37 (hg19) VCF-style: chr7-6048647-C-G.
Other names: c.-397G>C (NM_001322003.2, NM_001322013.2); c.-262G>C (NM_001322004.2, NM_001322010.2); c.-592G>C (NM_001322005.2); c.4G>C, p.Glu2Gln (NM_001322006.2, NM_001322014.2); c.-212G>C (NM_001322007.2); c.-72G>C (NM_001322008.2); c.-587G>C (NM_001322009.2); c.-881G>C (NM_001322011.2); and 2 more; short protein forms E2Q.
Identifiers: ClinVar variation 455725 (VCV000455725.15), dbSNP rs1554309080, ClinGen allele CA366745248.

ClinVar aggregate classification (germline): Uncertain significance. Review status: criteria provided, multiple submitters, no conflicts (2 of 4 stars). 3 submissions from 3 submitters: Uncertain significance (3). Last evaluated 2024-03-21.

Conditions:
Hereditary cancer-predisposing syndrome. Also called: Tumor predisposition; Hereditary Cancer Syndrome; Neoplastic Syndromes, Hereditary; Hereditary neoplastic syndrome. Identifiers: Orphanet 140162, MedGen C0027672, MeSH D009386, MONDO:0015356.
Hereditary nonpolyposis colorectal neoplasms. Identifiers: MedGen C0009405, MeSH D003123.

gnomAD v4.1: 2 of 1,612,598 alleles (0.00012%); highest among the groups gnomAD compares: Non-Finnish European, 0.00017%; no homozygotes.

Submissions (3):

Ambry Genetics
Classification: Uncertain significance for Hereditary cancer-predisposing syndrome. Last evaluated: 2024-03-21. Review status: criteria provided, single submitter. Criteria: Ambry Variant Classification Scheme 2023. Collection method: clinical testing. Allele origin: germline.
Comment: The p.E2Q variant (also known as c.4G>C), located in coding exon 1 of the PMS2 gene, results from a G to C substitution at nucleotide position 4. The glutamic acid at codon 2 is replaced by glutamine, an amino acid with highly similar properties. This amino acid position is well conserved in available vertebrate species. In addition, the in silico prediction for this alteration is inconclusive. Based on the available evidence, the clinical significance of this alteration remains unclear.

GeneDx
Classification: Uncertain significance. Last evaluated: 2023-10-16. Review status: criteria provided, single submitter. Criteria: GeneDx Variant Classification Process June 2021. Collection method: clinical testing. Allele origin: germline.
Comment: Not observed at significant frequency in large population cohorts (gnomAD); In silico analysis supports that this missense variant does not alter protein structure/function; Has not been previously published as pathogenic or benign to our knowledge; This variant is associated with the following publications: (PMID: 11574484)

Labcorp Genetics (formerly Invitae), Labcorp
Classification: Uncertain significance for Hereditary nonpolyposis colorectal neoplasms. Last evaluated: 2022-01-23. Review status: criteria provided, single submitter. Criteria: Invitae Variant Classification Sherloc (09022015). Collection method: clinical testing. Allele origin: germline.
Comment: This sequence change replaces glutamic acid, which is acidic and polar, with glutamine, which is neutral and polar, at codon 2 of the PMS2 protein (p.Glu2Gln). This variant is not present in population databases (gnomAD no frequency). This variant has not been reported in the literature in individuals affected with PMS2-related conditions. ClinVar contains an entry for this variant (Variation ID: 455725). Advanced modeling of protein sequence and biophysical properties (such as structural, functional, and spatial information, amino acid conservation, physicochemical variation, residue mobility, and thermodynamic stability) performed at Invitae indicates that this missense variant is not expected to disrupt PMS2 protein function. In summary, the available evidence is currently insufficient to determine the role of this variant in disease. Therefore, it has been classified as a Variant of Uncertain Significance.